The following is an entry in ClinVar:

ClinVar aggregate classification (germline): Likely benign (1 of 4 stars; one submission).

Allele frequency attached by ClinVar (database versions not stated): gnomAD exomes below 0.00001; gnomAD 0.00001.
gnomAD v4.1: 3 of 1,613,646 alleles (0.00019%); highest among the groups gnomAD compares: South Asian, 0.0011%; no homozygotes.

Submission:

CeGaT Center for Human Genetics Tuebingen
Classification: Likely benign. Last evaluated: 2022-09-01. Review status: criteria provided, single submitter. Criteria: CeGaT Center For Human Genetics Tuebingen Variant Classification Criteria Version 2. Collection method: clinical testing. Allele origin: germline. Affected: yes. Observed: 1 variant allele.
Comment: NECAP1: BP4, BP7

NM_015509.4(NECAP1):c.84C>T (p.Asn28=)

Genes: NECAP1 (NECAP endocytosis associated 1; plus strand), LOC126861440 (MED14-independent group 3 enhancer GRCh37_chr12:8234132-8235331; plus strand). Cytogenetic location: 12p13.31.
Variant type: single nucleotide variant.
Coding change: c.84C>T on transcript NM_015509.4 (MANE Select); coding-DNA position 84, C replaced by T.
Protein change: p.Asn28=; no amino-acid change (asparagine 28 retained).
Molecular consequence: synonymous variant. On other transcripts: non-coding transcript variant (1).
Genome position (GRCh38, 1-based): chr12:8,082,372, C>T. VCF-style: chr12-8082372-C-T. GRCh37 (hg19) VCF-style: chr12-8234968-C-T.
Identifiers: ClinVar variation 2642683 (VCV002642683.24), dbSNP rs1347601133, ClinGen allele CA478233872.